The following is an entry in ClinVar:

ClinVar aggregate classification (germline): Uncertain significance (1 of 4 stars; one submission).

Submission:

Labcorp Genetics (formerly Invitae), Labcorp
Classification: Uncertain significance. Last evaluated: 2023-03-04. Review status: criteria provided, single submitter. Criteria: Invitae Variant Classification Sherloc (09022015). Collection method: clinical testing. Allele origin: germline.
Comment: This sequence change falls in intron 5 of the FRMD7 gene. It does not directly change the encoded amino acid sequence of the FRMD7 protein. It affects a nucleotide within the consensus splice site. This variant is not present in population databases (gnomAD no frequency). This variant has not been reported in the literature in individuals affected with FRMD7-related conditions. Variants that disrupt the consensus splice site are a relatively common cause of aberrant splicing (PMID: 17576681, 9536098). Algorithms developed to predict the effect of sequence changes on RNA splicing suggest that this variant may disrupt the consensus splice site. In summary, the available evidence is currently insufficient to determine the role of this variant in disease. Therefore, it has been classified as a Variant of Uncertain Significance.

Literature cited by the submitters: PubMed 17576681; PubMed 9536098.

NM_194277.3(FRMD7):c.382+5G>A

Gene: FRMD7 (FERM domain containing 7; minus strand). Cytogenetic location: Xq26.2.
Variant type: single nucleotide variant.
Coding change: c.382+5G>A on transcript NM_194277.3 (MANE Select); 5 bases into the intron after coding-DNA position 382, G replaced by A.
Molecular consequence: intron variant.
Genome position (GRCh38, 1-based): chrX:132,094,037, C>T on the plus strand (G>A on the coding strand, the complement: FRMD7 is on the minus strand). VCF-style: chrX-132094037-C-T. GRCh37 (hg19) VCF-style: chrX-131228065-C-T.
Other names: c.337+5G>A (NM_001306193.2).
Identifiers: ClinVar variation 2843000 (VCV002843000.3), dbSNP rs2520812093, ClinGen allele CA2694716254.
Genomic context (GRCh38, chrX:132,094,037, plus strand): 5'-AGCTCCTGTGCTTGGTTCTCTACCTGGCTGATAGGTCCCAAAGCAGACAGACATTTGCTA[C>T]TTACATTGTAAGATGTGAGATACCATCAACGCTGTACAGTTGTCACTGCATGGAAGCCTT-3'